The following is an entry in ClinVar:

ClinVar aggregate classification (germline): Uncertain significance. Review status: criteria provided, multiple submitters, no conflicts (2 of 4 stars). 2 submissions from 2 submitters: Uncertain significance (2). Last evaluated 2026-08-03.

Conditions:
Inborn genetic diseases. Identifiers: MedGen C0950123, MeSH D030342.

Allele frequency attached by ClinVar (database versions not stated): gnomAD exomes below 0.00001 and 0.00001; gnomAD 0.00002; TOPMed 0.00002; ExAC 0.00001.
gnomAD v4.1: 12 of 1,613,918 alleles (0.00074%); highest among the groups gnomAD compares: Non-Finnish European, 0.001%; no homozygotes.

Submissions (2):

Ambry Genetics
Classification: Uncertain significance for Inborn genetic diseases. Last evaluated: 2026-08-03. Review status: criteria provided, single submitter. Criteria: Ambry Variant Classification Scheme 2023. Collection method: clinical testing. Allele origin: germline.

Labcorp Genetics (formerly Invitae), Labcorp
Classification: Uncertain significance. Last evaluated: 2022-08-09. Review status: criteria provided, single submitter. Criteria: Invitae Variant Classification Sherloc (09022015). Collection method: clinical testing. Allele origin: germline.
Comment: This sequence change replaces isoleucine, which is neutral and non-polar, with valine, which is neutral and non-polar, at codon 3692 of the USH2A protein (p.Ile3692Val). This variant is present in population databases (rs758785058, gnomAD 0.0009%). This variant has not been reported in the literature in individuals affected with USH2A-related conditions. ClinVar contains an entry for this variant (Variation ID: 1359418). Algorithms developed to predict the effect of missense changes on protein structure and function output the following: SIFT: "Tolerated"; PolyPhen-2: "Benign"; Align-GVGD: "Class C0". The valine amino acid residue is found in multiple mammalian species, which suggests that this missense change does not adversely affect protein function. In summary, the available evidence is currently insufficient to determine the role of this variant in disease. Therefore, it has been classified as a Variant of Uncertain Significance.

NM_206933.4(USH2A):c.11074A>G (p.Ile3692Val)

Gene: USH2A (usherin; minus strand). Cytogenetic location: 1q41.
Variant type: single nucleotide variant.
Coding change: c.11074A>G on transcript NM_206933.4 (MANE Select); coding-DNA position 11074, A replaced by G.
Protein change: p.Ile3692Val; replaces isoleucine 3692 with valine.
Molecular consequence: missense variant.
Genome position (GRCh38, 1-based): chr1:215,759,817, T>C on the plus strand (A>G on the coding strand, the complement: USH2A is on the minus strand). VCF-style: chr1-215759817-T-C. GRCh37 (hg19) VCF-style: chr1-215933159-T-C.
Other names: c.11074A>G (NM_206933.2); short protein forms I3692V.
Identifiers: ClinVar variation 1359418 (VCV001359418.7), dbSNP rs758785058, ClinGen allele CA1393817.